The following is an entry in ClinVar:

NM_006915.3(RP2):c.708C>G (p.Cys236Trp)

Gene: RP2 (RP2 activator of ARL3 GTPase; plus strand). Cytogenetic location: Xp11.3.
Variant type: single nucleotide variant.
Coding change: c.708C>G on transcript NM_006915.3 (MANE Select); coding-DNA position 708, C replaced by G.
Protein change: p.Cys236Trp; replaces cysteine 236 with tryptophan.
Molecular consequence: missense variant.
Genome position (GRCh38, 1-based): chrX:46,854,081, C>G. VCF-style: chrX-46854081-C-G. GRCh37 (hg19) VCF-style: chrX-46713516-C-G.
Other names: short protein forms C236W.
Identifiers: ClinVar variation 1373883 (VCV001373883.6), dbSNP rs2147081563, ClinGen allele CA413040539.

ClinVar aggregate classification (germline): Uncertain significance (1 of 4 stars; one submission).

Submission:

Labcorp Genetics (formerly Invitae), Labcorp
Classification: Uncertain significance. Last evaluated: 2022-12-02. Review status: criteria provided, single submitter. Criteria: Invitae Variant Classification Sherloc (09022015). Collection method: clinical testing. Allele origin: germline.
Comment: ClinVar contains an entry for this variant (Variation ID: 1373883). This sequence change replaces cysteine, which is neutral and slightly polar, with tryptophan, which is neutral and slightly polar, at codon 236 of the RP2 protein (p.Cys236Trp). This variant is not present in population databases (gnomAD no frequency). Algorithms developed to predict the effect of sequence changes on RNA splicing suggest that this variant may disrupt the consensus splice site. Advanced modeling of protein sequence and biophysical properties (such as structural, functional, and spatial information, amino acid conservation, physicochemical variation, residue mobility, and thermodynamic stability) has been performed at Invitae for this missense variant, however the output from this modeling did not meet the statistical confidence thresholds required to predict the impact of this variant on RP2 protein function. This missense change has been observed in individual(s) with retinitis pigmentosa (PMID: 26806561; Invitae). In summary, the available evidence is currently insufficient to determine the role of this variant in disease. Therefore, it has been classified as a Variant of Uncertain Significance.

Literature cited by the submitters: PubMed 26806561.